The following is an entry in ClinVar:

ClinVar aggregate classification (germline): Uncertain significance (1 of 4 stars; one submission).

Allele frequency attached by ClinVar (database versions not stated): gnomAD exomes below 0.00001.
gnomAD v4.1: 1 of 1,606,500 alleles (0.000062%); highest among the groups gnomAD compares: Non-Finnish European, 0.000085%; no homozygotes.

Submission:

Labcorp Genetics (formerly Invitae), Labcorp
Classification: Uncertain significance. Last evaluated: 2022-06-13. Review status: criteria provided, single submitter. Criteria: Invitae Variant Classification Sherloc (09022015). Collection method: clinical testing. Allele origin: germline.
Comment: In summary, the available evidence is currently insufficient to determine the role of this variant in disease. Therefore, it has been classified as a Variant of Uncertain Significance. Algorithms developed to predict the effect of missense changes on protein structure and function are either unavailable or do not agree on the potential impact of this missense change (SIFT: "Deleterious"; PolyPhen-2: "Probably Damaging"; Align-GVGD: "Class C0"). This variant has not been reported in the literature in individuals affected with PDE6C-related conditions. This variant is not present in population databases (gnomAD no frequency). This sequence change replaces valine, which is neutral and non-polar, with methionine, which is neutral and non-polar, at codon 333 of the PDE6C protein (p.Val333Met).

NM_006204.4(PDE6C):c.997G>A (p.Val333Met)

Gene: PDE6C (phosphodiesterase 6C; plus strand). Cytogenetic location: 10q23.33.
Variant type: single nucleotide variant.
Coding change: c.997G>A on transcript NM_006204.4 (MANE Select); coding-DNA position 997, G replaced by A.
Protein change: p.Val333Met; replaces valine 333 with methionine.
Molecular consequence: missense variant.
Genome position (GRCh38, 1-based): chr10:93,626,697, G>A. VCF-style: chr10-93626697-G-A. GRCh37 (hg19) VCF-style: chr10-95386454-G-A.
Other names: short protein forms V333M.
Identifiers: ClinVar variation 2003116 (VCV002003116.4), dbSNP rs2492513559, ClinGen allele CA377631826.